The following is an entry in ClinVar:

ClinVar aggregate classification (germline): Likely benign. Review status: criteria provided, single submitter (1 of 4 stars). 2 submissions from 2 submitters: Likely benign (1). 1 of the submissions does not count toward it. Last evaluated 2026-04-09.

Conditions:
DHX30-related disorder. Also called: DHX30-related condition.

Allele frequency attached by ClinVar (database versions not stated): gnomAD 0.00221; TOPMed 0.00234; gnomAD exomes 0.00020; ExAC 0.00077; 1000 Genomes Project 0.00240; ESP Exome Variant Server 0.00269; 1000 Genomes Project 30x 0.00312.
gnomAD v4.1: 635 of 1,614,188 alleles (0.039%); highest among the groups gnomAD compares: African/African-American, 0.77%; 2 homozygotes.

Submissions (2):

Women's Health and Genetics/Laboratory Corporation of America, LabCorp
Classification: Likely benign. Last evaluated: 2026-04-09. Review status: criteria provided, single submitter. Criteria: LabCorp Variant Classification Summary - May 2015. Collection method: clinical testing. Allele origin: germline.
Comment: Variant summary: DHX30 c.517A>G (p.Ile173Val) results in a conservative amino acid change in the encoded protein sequence. Algorithms developed to predict the effect of missense changes on protein structure and function all suggest that this variant is likely to be tolerated. The variant allele was found at a frequency of 0.00057 in 251298 control chromosomes, predominantly at a frequency of 0.0077 within the African or African-American subpopulation in the gnomAD database, including 1 homozygote. The observed variant frequency within African or African-American control individuals in the gnomAD database exceeds the estimated maximal expected allele frequency for disease-causing variants in DHX30. To our knowledge, no occurrence of c.517A>G in individuals affected with DHX30-related conditions and no experimental evidence demonstrating its impact on protein function have been reported. ClinVar contains an entry for this variant (Variation ID: 3038743). Based on the evidence outlined above, the variant was classified as likely benign.

PreventionGenetics, part of Exact Sciences
Classification: Benign for DHX30-related condition. Last evaluated: 2019-03-01. Review status: no assertion criteria provided. Collection method: clinical testing. Allele origin: germline. Not counted in ClinVar's aggregate classification.
Comment: This variant is classified as benign based on ACMG/AMP sequence variant interpretation guidelines (Richards et al. 2015 PMID: 25741868, with internal and published modifications).

NM_138615.3(DHX30):c.517A>G (p.Ile173Val)

Gene: DHX30 (DExH-box helicase 30; plus strand). Cytogenetic location: 3p21.31.
Variant type: single nucleotide variant.
Coding change: c.517A>G on transcript NM_138615.3 (MANE Select); coding-DNA position 517, A replaced by G.
Protein change: p.Ile173Val; replaces isoleucine 173 with valine.
Molecular consequence: missense variant.
Genome position (GRCh38, 1-based): chr3:47,841,027, A>G. VCF-style: chr3-47841027-A-G. GRCh37 (hg19) VCF-style: chr3-47882517-A-G.
Other names: c.433A>G, p.Ile145Val (NM_001330990.2); c.400A>G, p.Ile134Val (NM_014966.4); short protein forms I134V, I145V, I173V.
Identifiers: ClinVar variation 3038743 (VCV003038743.3), dbSNP rs115678925, ClinGen allele CA2369722.
Genomic context (GRCh38, chr3:47,841,027, plus strand): 5'-TGGTGGCGTCCGGAACCCACCATGCCCCCTACTTCCTGGCGGCAGCTGAATCCAGAGAGT[A>G]TTCGACCAGGGGGACCTGGGGGCCTATCCCGCTCTTTAGGCCGGGAAGAAGAGGAGGACG-3'
Protein context (NP_619520.1, residues 163-183): TSWRQLNPES[Ile173Val]RPGGPGGLSR